The following is an entry in ClinVar:

NM_001270974.2(HYDIN):c.9352G>C (p.Val3118Leu)

Gene: HYDIN (HYDIN axonemal central pair apparatus protein; minus strand). Cytogenetic location: 16q22.2.
Variant type: single nucleotide variant.
Coding change: c.9352G>C on transcript NM_001270974.2 (MANE Select); coding-DNA position 9352, G replaced by C.
Protein change: p.Val3118Leu; replaces valine 3118 with leucine.
Molecular consequence: missense variant.
Genome position (GRCh38, 1-based): chr16:70,892,426, C>G on the plus strand (G>C on the coding strand, the complement: HYDIN is on the minus strand). VCF-style: chr16-70892426-C-G. GRCh37 (hg19) VCF-style: chr16-70926329-C-G.
Other names: NM_001270974.2:c.9352G>C; short protein forms V3118L.
Identifiers: ClinVar variation 4070919 (VCV004070919.3).

ClinVar aggregate classification (germline): Conflicting classifications of pathogenicity. Review status: criteria provided, conflicting classifications (1 of 4 stars). 3 submissions from 3 submitters: Likely pathogenic (2); Uncertain significance (1). Last evaluated 2025-06-27.

Conditions:
HYDIN-related disorders.
Primary ciliary dyskinesia 5. Also called: CILIARY DYSKINESIA, PRIMARY, 5, WITHOUT SITUS INVERSUS. Identifiers: Orphanet 244, MedGen C1837615, MONDO:0012088, OMIM 608647.

gnomAD v4.1: 32 of 1,604,462 alleles (0.002%); highest among the groups gnomAD compares: African/African-American, 0.034%; no homozygotes.

Submissions (3):

Broad Center for Mendelian Genomics, Broad Institute of MIT and Harvard
Classification: Uncertain significance for Primary ciliary dyskinesia 5. Last evaluated: 2025-06-27. Review status: criteria provided, single submitter. Criteria: ACMG Guidelines, 2015. Collection method: curation. Allele origin: germline. Inheritance: Autosomal recessive inheritance. Study: GREGoR Consortium.
Comment: The phase of these variants are unknown at this time. The p.Val3118Leu variant in HYDIN has been reported in 1 individual with primary ciliary dyskinesia (PMID: 36112114), and has been identified in 0.03% (25/74320) of African/African American chromosomes by the Genome Aggregation Database (gnomAD; dbSNP rs545412163). Although this variant has been seen in the general population in a heterozygous state, its frequency is not high enough to rule out a pathogenic role. Of the 2 affected individuals, 1 was a compound heterozygote that carried a pathogenic variant in trans, which increases the likelihood that the p.Val3118Leu variant is pathogenic (PMID: 36112114). Computational prediction tools, including splice predictors, and conservation analyses suggest that this variant may not impact the protein, though this information is not predictive enough to rule out pathogenicity. The number of missense variants reported in HYDIN in the general population is lower than expected, suggesting there is little benign variation in this gene and slightly increasing the possibility that a missense variant in this gene may not be tolerated. In summary, the clinical significance of the p.Val3118Leu variant is uncertain. ACMG/AMP Criteria applied: PM3, BP4, PP2 (Richards 2015).

Johns Hopkins Genomics, Johns Hopkins University
Classification: Likely pathogenic for Primary ciliary dyskinesia 5. Last evaluated: 2024-08-05. Review status: criteria provided, single submitter. Criteria: ACMG Guidelines, 2015. Collection method: clinical testing. Allele origin: germline.
Comment: This HYDIN missense variant has been reported in the compound heterozygous state in a sibling pair with primary ciliary dyskinesia. It (rs545412163) is rare (<0.1%) in a large population dataset (gnomAD v4.1.0: 32/1604462 total alleles; 0.002%; no homozygotes), and has not been reported in ClinVar. Two bioinformatic tools queried predict that this substitution would be damaging, and while the valine residue at this position is evolutionarily conserved across many of the species assessed, some species have a different amino acid including one with leucine. We consider c.9352G>C in HYDIN to be likely pathogenic.

Blueprint Genetics
Classification: Likely pathogenic for HYDIN-related disorders. Last evaluated: 2022-08-03. Review status: criteria provided, single submitter. Criteria: ACMG Guidelines, 2015. Collection method: clinical testing. Allele origin: germline. Affected: yes. Observed: 5 variant alleles.

Literature cited by the submitters: PubMed 36112114 (cited by Johns Hopkins Genomics, Johns Hopkins University).